The following is an entry in ClinVar:

NM_000059.4(BRCA2):c.1342del (p.Arg448fs)

Gene: BRCA2 (BRCA2 DNA repair associated; plus strand). Cytogenetic location: 13q13.1.
Variant type: Deletion.
Coding change: c.1342del on transcript NM_000059.4 (MANE Select); coding-DNA position 1342, one base deleted (C; older notation c.1342delC).
Protein change: p.Arg448fs; shifts the reading frame from arginine 448.
Molecular consequence: frameshift variant.
Genome position (GRCh38, 1-based): chr13:32,332,820, C deleted. VCF-style (leftmost placement, unchanged base first): chr13-32332819-AC-A. GRCh37 (hg19) VCF-style: chr13-32906956-AC-A.
Other names: c.1342delC (NM_000059.3); short protein forms R448fs.
Identifiers: ClinVar variation 531275 (VCV000531275.7), dbSNP rs1555281849, ClinGen allele CA658798123.

ClinVar aggregate classification (germline): Pathogenic (1 of 4 stars; one submission).

Conditions:
Hereditary breast ovarian cancer syndrome. Also called: Hereditary breast and ovarian cancer syndrome (HBOC); BRCA1- and BRCA2-Associated Hereditary Breast and Ovarian Cancer; Hereditary breast and ovarian cancer syndrome; Breast and ovarian cancer; Hereditary breast and ovarian cancer; Hereditary breast and/or ovarian cancer syndrome. Identifiers: Orphanet 145, MedGen C0677776, MeSH D061325, MONDO:0003582. Disease mechanism: loss of function.

Submission:

Labcorp Genetics (formerly Invitae), Labcorp
Classification: Pathogenic for Hereditary breast ovarian cancer syndrome. Last evaluated: 2017-11-28. Review status: criteria provided, single submitter. Criteria: Invitae Variant Classification Sherloc (09022015). Collection method: clinical testing. Allele origin: germline.
Comment: This sequence change creates a premature translational stop signal (p.Arg448Valfs*12) in the BRCA2 gene. It is expected to result in an absent or disrupted protein product. For these reasons, this variant has been classified as Pathogenic. Loss-of-function variants in BRCA2 are known to be pathogenic (PMID: 20104584). This variant has not been reported in the literature in individuals with BRCA2-related disease. This variant is not present in population databases (ExAC no frequency).

Literature cited by the submitters: PubMed 20104584.